The following is an entry in ClinVar:

NM_000135.4(FANCA):c.2239G>A (p.Ala747Thr)

Gene: FANCA (FA complementation group A; minus strand). Cytogenetic location: 16q24.3.
Variant type: single nucleotide variant.
Coding change: c.2239G>A on transcript NM_000135.4 (MANE Select); coding-DNA position 2239, G replaced by A.
Protein change: p.Ala747Thr; replaces alanine 747 with threonine.
Molecular consequence: missense variant.
Genome position (GRCh38, 1-based): chr16:89,770,243, C>T on the plus strand (G>A on the coding strand, the complement: FANCA is on the minus strand). VCF-style: chr16-89770243-C-T. GRCh37 (hg19) VCF-style: chr16-89836651-C-T.
Other names: c.2239G>A (LRG_495t1); c.2239G>A, p.Ala747Thr (NM_001286167.3); short protein forms A747T.
Identifiers: ClinVar variation 408209 (VCV000408209.9), dbSNP rs931143821, ClinGen allele CA16615027.

ClinVar aggregate classification (germline): Uncertain significance (1 of 4 stars; one submission).

Conditions:
Fanconi anemia (FA). Also called: Fanconi's anemia. Identifiers: Orphanet 84, MedGen C0015625, MeSH D005199, MONDO:0019391.

gnomAD v4.1: 1 of 1,581,648 alleles (0.000063%); highest among the groups gnomAD compares: African/African-American, 0.0013%; no homozygotes.

Submission:

Labcorp Genetics (formerly Invitae), Labcorp
Classification: Uncertain significance for Fanconi anemia. Last evaluated: 2024-05-22. Review status: criteria provided, single submitter. Criteria: Invitae Variant Classification Sherloc (09022015). Collection method: clinical testing. Allele origin: germline.
Comment: This sequence change replaces alanine, which is neutral and non-polar, with threonine, which is neutral and polar, at codon 747 of the FANCA protein (p.Ala747Thr). This variant is not present in population databases (gnomAD no frequency). This variant has not been reported in the literature in individuals affected with FANCA-related conditions. ClinVar contains an entry for this variant (Variation ID: 408209). Advanced modeling of protein sequence and biophysical properties (such as structural, functional, and spatial information, amino acid conservation, physicochemical variation, residue mobility, and thermodynamic stability) performed at Invitae indicates that this missense variant is not expected to disrupt FANCA protein function with a negative predictive value of 80%. In summary, the available evidence is currently insufficient to determine the role of this variant in disease. Therefore, it has been classified as a Variant of Uncertain Significance.